The following is an entry in ClinVar:

ClinVar aggregate classification (germline): Uncertain significance (1 of 4 stars; one submission).

Submission:

ISCA site 4
Classification: Uncertain significance. Last evaluated: 2011-08-12. Review status: criteria provided, single submitter. Criteria: Kaminsky et al. (Genet Med. 2011). Collection method: clinical testing. Allele origin: unknown. Affected: yes. Observed: 1 variant allele.
Comment: Copy number variation identified through the course of routine clinical cytogenomic testing in postnatal populations. Clinical assertions have been curated as described in Kaminsky et al. 2011.

GRCh38/hg38 22q13.31(chr22:47069266-47636658)x3

Genes: EPIC1 (epigenetically induced MYC interacting lncRNA 1; plus strand), LINC00898 (long intergenic non-protein coding RNA 898; minus strand), LINC01644 (long intergenic non-protein coding RNA 1644; minus strand), TBC1D22A (TBC1 domain family member 22A; plus strand), LOC121627955 (Sharpr-MPRA regulatory region 13395; plus strand) and 9 more. Cytogenetic location: 22q13.31.
Variant type: copy number gain.
Change: copy number 3 (three copies instead of two) of chr22:47,069,266-47,636,658 (567.4 kb, GRCh38 coordinates, 1-based), cytogenetic band 22q13.31.
Identifiers: ClinVar variation 57192 (VCV000057192.1).